The following is an entry in ClinVar:

NM_001077653.2(TBX20):c.622C>G (p.Leu208Val)

Gene: TBX20 (T-box transcription factor 20; minus strand). Cytogenetic location: 7p14.2.
Variant type: single nucleotide variant.
Coding change: c.622C>G on transcript NM_001077653.2 (MANE Select); coding-DNA position 622, C replaced by G.
Protein change: p.Leu208Val; replaces leucine 208 with valine.
Molecular consequence: missense variant.
Genome position (GRCh38, 1-based): chr7:35,244,981, G>C on the plus strand (C>G on the coding strand, the complement: TBX20 is on the minus strand). VCF-style: chr7-35244981-G-C. GRCh37 (hg19) VCF-style: chr7-35284593-G-C.
Other names: c.622C>G, p.Leu208Val (NM_001166220.1); short protein forms L208V.
Identifiers: ClinVar variation 1752323 (VCV001752323.8), dbSNP rs202072698, ClinGen allele CA156928433.
Genomic context (GRCh38, chr7:35,244,981, plus strand): 5'-CCTGCACAGTCCAAGGCATGGTACTTACATGGCCATGTTGATCCAGTTCATTGTTGGTGA[G>C]TTTCACCTTTTCAAAAGACACCATCTGTTTGAGTAGTTGCTCACCGGTAAAAGGAGAATC-3'
Protein context (NP_001071121.1, residues 198-218): KQMVSFEKVK[Leu208Val]TNNELDQHGH

ClinVar aggregate classification (germline): Uncertain significance. Review status: criteria provided, multiple submitters, no conflicts (2 of 4 stars). 2 submissions from 2 submitters: Uncertain significance (2). Last evaluated 2026-01-22.

Conditions:
Cardiovascular phenotype. Identifiers: MedGen CN230736.

Allele frequency attached by ClinVar (database versions not stated): gnomAD 0.00001; gnomAD exomes 0.00001; TOPMed 0.00001.
gnomAD v4.1: 17 of 1,613,634 alleles (0.0011%); highest among the groups gnomAD compares: Non-Finnish European, 0.00025%; no homozygotes.

Submissions (2):

Labcorp Genetics (formerly Invitae), Labcorp
Classification: Uncertain significance. Last evaluated: 2026-01-22. Review status: criteria provided, single submitter. Criteria: Invitae Variant Classification Sherloc (09022015). Collection method: clinical testing. Allele origin: germline.
Comment: This sequence change replaces leucine, which is neutral and non-polar, with valine, which is neutral and non-polar, at codon 208 of the TBX20 protein (p.Leu208Val). This variant is present in population databases (rs202072698, gnomAD 0.01%). This variant has not been reported in the literature in individuals affected with TBX20-related conditions. ClinVar contains an entry for this variant (Variation ID: 1752323). Invitae Evidence Modeling of protein sequence and biophysical properties (such as structural, functional, and spatial information, amino acid conservation, physicochemical variation, residue mobility, and thermodynamic stability) has been performed for this missense variant. However, the output from this modeling did not meet the statistical confidence thresholds required to predict the impact of this variant on TBX20 protein function. In summary, the available evidence is currently insufficient to determine the role of this variant in disease. Therefore, it has been classified as a Variant of Uncertain Significance.

Ambry Genetics
Classification: Uncertain significance for Cardiovascular phenotype. Last evaluated: 2024-12-08. Review status: criteria provided, single submitter. Criteria: Ambry Variant Classification Scheme 2023. Collection method: clinical testing. Allele origin: germline.
Comment: The p.L208V variant (also known as c.622C>G), located in coding exon 4 of the TBX20 gene, results from a C to G substitution at nucleotide position 622. The leucine at codon 208 is replaced by valine, an amino acid with highly similar properties. This amino acid position is conserved. In addition, this alteration is predicted to be deleterious by in silico analysis. Since supporting evidence is limited at this time, the clinical significance of this alteration remains unclear.